The following is an entry in ClinVar:

ClinVar aggregate classification (germline): Pathogenic (1 of 4 stars; one submission).

Submission:

Labcorp Genetics (formerly Invitae), Labcorp
Classification: Pathogenic. Last evaluated: 2023-10-23. Review status: criteria provided, single submitter. Criteria: Invitae Variant Classification Sherloc (09022015). Collection method: clinical testing. Allele origin: germline.
Comment: This sequence change creates a premature translational stop signal (p.Gln635Lysfs*19) in the LIFR gene. It is expected to result in an absent or disrupted protein product. Loss-of-function variants in LIFR are known to be pathogenic (PMID: 14740318). This variant is not present in population databases (gnomAD no frequency). This variant has not been reported in the literature in individuals affected with LIFR-related conditions. Algorithms developed to predict the effect of sequence changes on RNA splicing suggest that this variant may disrupt the consensus splice site. For these reasons, this variant has been classified as Pathogenic.

Literature cited by the submitters: PubMed 14740318.

NM_001127671.2(LIFR):c.1903del (p.Gln635fs)

Gene: LIFR (LIF receptor subunit alpha; minus strand). Cytogenetic location: 5p13.1.
Variant type: Deletion.
Coding change: c.1903del on transcript NM_001127671.2 (MANE Select); coding-DNA position 1903, one base deleted (C; older notation c.1903delC).
Protein change: p.Gln635fs; shifts the reading frame from glutamine 635.
Molecular consequence: frameshift variant.
Genome position (GRCh38, 1-based): chr5:38,493,768, G deleted on the plus strand (C on the coding strand, the reverse complement: LIFR is on the minus strand). VCF-style (leftmost placement, unchanged base first): chr5-38493767-TG-T. GRCh37 (hg19) VCF-style: chr5-38493869-TG-T.
Other names: c.1903del, p.Gln635fs (NM_001364297.2, NM_001364298.2, NM_002310.6); short protein forms Q635fs.
Identifiers: ClinVar variation 2771230 (VCV002771230.3), dbSNP rs2530989113, ClinGen allele CA2697547139.